The following is an entry in ClinVar:

ClinVar aggregate classification (germline): Uncertain significance (1 of 4 stars; one submission).

Allele frequency attached by ClinVar (database versions not stated): gnomAD exomes below 0.00001.
gnomAD v4.1: 1 of 1,584,810 alleles (0.000063%); highest among the groups gnomAD compares: Non-Finnish European, 0.000086%; no homozygotes.

Submission:

Ambry Genetics
Classification: Uncertain significance. Last evaluated: 2021-07-08. Review status: criteria provided, single submitter. Criteria: Ambry Variant Classification Scheme 2023. Collection method: clinical testing. Allele origin: germline.
Comment: The p.W4121C variant (also known as c.12363G>C), located in coding exon 86 of the PRKDC gene, results from a G to C substitution at nucleotide position 12363. The tryptophan at codon 4121 is replaced by cysteine, an amino acid with highly dissimilar properties. This amino acid position is conserved. In addition, the in silico prediction for this alteration is inconclusive. Since supporting evidence is limited at this time, the clinical significance of this alteration remains unclear.

NM_006904.7(PRKDC):c.12363G>C (p.Trp4121Cys)

Gene: PRKDC (protein kinase, DNA-activated, catalytic subunit; minus strand). Cytogenetic location: 8q11.21.
Variant type: single nucleotide variant.
Coding change: c.12363G>C on transcript NM_006904.7 (MANE Select); coding-DNA position 12363, G replaced by C.
Protein change: p.Trp4121Cys; replaces tryptophan 4121 with cysteine.
Molecular consequence: missense variant.
Genome position (GRCh38, 1-based): chr8:47,774,197, C>G on the plus strand (G>C on the coding strand, the complement: PRKDC is on the minus strand). VCF-style: chr8-47774197-C-G. GRCh37 (hg19) VCF-style: chr8-48686758-C-G.
Other names: c.12270G>C, p.Trp4090Cys (NM_001081640.2); short protein forms W4090C, W4121C.
Identifiers: ClinVar variation 1756792 (VCV001756792.2), dbSNP rs2551859116, ClinGen allele CA371126487.
Genomic context (GRCh38, chr8:47,774,197, plus strand): 5'-AATGTAATGCTTTCTATCTGCAGACTCCCACAGACCTCACATCCAGGGCTCCCATCCTTC[C>G]CAGGTTCTGCCAAGGATGTTGGGGTCTGTTGCCTGGTCCATCAGGCACTTCACTTGAGTC-3'
Protein context (NP_008835.5, residues 4111-4128): ATDPNILGRT[Trp4121Cys]EGWEPWM